The following is an entry in ClinVar:

NM_007327.4(GRIN1):c.2241G>C (p.Val747=)

Gene: GRIN1 (glutamate ionotropic receptor NMDA type subunit 1; plus strand). Cytogenetic location: 9q34.3.
Variant type: single nucleotide variant.
Coding change: c.2241G>C on transcript NM_007327.4 (MANE Select); coding-DNA position 2241, G replaced by C.
Protein change: p.Val747=; no amino-acid change (valine 747 retained).
Molecular consequence: synonymous variant.
Genome position (GRCh38, 1-based): chr9:137,163,238, G>C. VCF-style: chr9-137163238-G-C. GRCh37 (hg19) VCF-style: chr9-140057690-G-C.
Other names: p.Val747=; c.2241G>C, p.Val747= (NM_000832.7, NM_021569.4); c.2304G>C, p.Val768= (NM_001185090.2, NM_001185091.2).
Identifiers: ClinVar variation 129180 (VCV000129180.23), dbSNP rs116354349, ClinGen allele CA153021.

ClinVar aggregate classification (germline): Benign. Review status: criteria provided, multiple submitters, no conflicts (2 of 4 stars). 7 submissions from 7 submitters: Benign (6). 1 of the submissions does not count toward it. Last evaluated 2026-02-03.

Conditions:
Inborn genetic diseases. Identifiers: MedGen C0950123, MeSH D030342.
Neurodevelopmental disorder with or without hyperkinetic movements and seizures, autosomal dominant. Also called: Intellectual disability, autosomal dominant 8. Identifiers: MedGen C3280282, MONDO:0013655, OMIM 614254.

Allele frequency attached by ClinVar (database versions not stated): gnomAD exomes 0.00180 and 0.00438; ExAC 0.00527; gnomAD 0.01530 and 0.01638; 1000 Genomes Project 0.01577; 1000 Genomes Project 30x 0.01608; TOPMed 0.01760; ESP Exome Variant Server 0.01938.
gnomAD v4.1: 5,082 of 1,613,744 alleles (0.31%); highest among the groups gnomAD compares: African/African-American, 5.4%; 103 homozygotes.

Submissions (7):

Labcorp Genetics (formerly Invitae), Labcorp
Classification: Benign for Neurodevelopmental disorder with or without hyperkinetic movements and seizures, autosomal dominant. Last evaluated: 2026-02-03. Review status: criteria provided, single submitter. Criteria: Invitae Variant Classification Sherloc (09022015). Collection method: clinical testing. Allele origin: germline.

Mayo Clinic Laboratories, Mayo Clinic
Classification: Benign. Last evaluated: 2018-04-10. Review status: criteria provided, single submitter. Criteria: ACMG Guidelines, 2015. Collection method: clinical testing. Allele origin: germline. Observed: 6 variant alleles.

Athena Diagnostics
Classification: Benign. Last evaluated: 2017-06-27. Review status: criteria provided, single submitter. Criteria: Athena Diagnostics Criteria. Collection method: clinical testing. Allele origin: germline.

Ambry Genetics
Classification: Benign for Inborn genetic diseases. Last evaluated: 2016-03-02. Review status: criteria provided, single submitter. Criteria: Ambry Variant Classification Scheme 2023. Collection method: clinical testing. Allele origin: germline.

GeneDx
Classification: Benign. Last evaluated: 2016-01-20. Review status: criteria provided, single submitter. Criteria: GeneDx Variant Classification (06012015). Collection method: clinical testing. Allele origin: germline. Affected: yes.
Comment: This variant is considered likely benign or benign based on one or more of the following criteria: it is a conservative change, it occurs at a poorly conserved position in the protein, it is predicted to be benign by multiple in silico algorithms, and/or has population frequency not consistent with disease.

Breakthrough Genomics
Classification: Benign. Review status: criteria provided, single submitter. Criteria: ACMG Guidelines, 2015. Collection method: not provided. Allele origin: germline. Inheritance: Autosomal recessive inheritance. Affected: yes.

Genetic Services Laboratory, University of Chicago
Classification: Likely benign for AllHighlyPenetrant. Review status: no assertion criteria provided. Collection method: clinical testing. Allele origin: germline. Inheritance: Autosomal dominant inheritance. Not counted in ClinVar's aggregate classification.
Comment: Likely benign based on allele frequency in 1000 Genomes Project or ESP global frequency and its presence in a patient with a rare or unrelated disease phenotype. NOT Sanger confirmed.